The following is an entry in ClinVar:

ClinVar aggregate classification (germline): Likely pathogenic (1 of 4 stars; one submission).

Submission:

Labcorp Genetics (formerly Invitae), Labcorp
Classification: Likely pathogenic. Last evaluated: 2022-10-03. Review status: criteria provided, single submitter. Criteria: Invitae Variant Classification Sherloc (09022015). Collection method: clinical testing. Allele origin: germline.
Comment: This variant results in a copy number gain of the genomic region encompassing exon(s) 11 of the EYS gene. While the exact position of this variant cannot be determined from the data, sub-genic copy number gains are generally in tandem (PMID: 25640679). This variant is predicted to be out-of-frame, and may result in an absent or disrupted protein product. Loss-of-function variants in EYS are known to be pathogenic (PMID: 18836446, 20333770). This variant has not been reported in the literature in individuals affected with EYS-related conditions. In summary, the currently available evidence indicates that the variant is pathogenic, but additional data are needed to prove that conclusively. Therefore, this variant has been classified as Likely Pathogenic.

Literature cited by the submitters: PubMed 25640679; PubMed 18836446; PubMed 20333770.

NC_000006.11:g.(?_66042207)_(66045049_?)dup

Gene: EYS (eyes shut homolog; minus strand). Cytogenetic location: 6q12.
Variant type: Duplication.
Identifiers: ClinVar variation 2423848 (VCV002423848.3).